The following is an entry in ClinVar:

ClinVar aggregate classification (germline): Uncertain significance (1 of 4 stars; one submission).

Conditions:
Hereditary pancreatitis (PCTT). Also called: Hereditary chronic pancreatitis; PRSS1-Related Hereditary Pancreatitis. Identifiers: Orphanet 676, MedGen C0238339, MONDO:0008185, OMIM 167800.

Submission:

Ambry Genetics
Classification: Uncertain significance for Hereditary pancreatitis. Last evaluated: 2023-12-02. Review status: criteria provided, single submitter. Criteria: Ambry Variant Classification Scheme 2023. Collection method: clinical testing. Allele origin: germline.
Comment: The p.Y129H variant (also known as c.385T>C), located in coding exon 4 of the CPA1 gene, results from a T to C substitution at nucleotide position 385. The tyrosine at codon 129 is replaced by histidine, an amino acid with similar properties. This amino acid position is conserved. In addition, this alteration is predicted to be tolerated by in silico analysis. Since supporting evidence is limited at this time, the clinical significance of this alteration remains unclear.

NM_001868.4(CPA1):c.385T>C (p.Tyr129His)

Gene: CPA1 (carboxypeptidase A1; plus strand). Cytogenetic location: 7q32.2.
Variant type: single nucleotide variant.
Coding change: c.385T>C on transcript NM_001868.4 (MANE Select); coding-DNA position 385, T replaced by C.
Protein change: p.Tyr129His; replaces tyrosine 129 with histidine.
Molecular consequence: missense variant.
Genome position (GRCh38, 1-based): chr7:130,382,111, T>C. VCF-style: chr7-130382111-T-C. GRCh37 (hg19) VCF-style: chr7-130021952-T-C.
Other names: short protein forms Y129H.
Identifiers: ClinVar variation 3221820 (VCV003221820.1), dbSNP rs2536006173, ClinGen allele CA369280658.
Genomic context (GRCh38, chr7:130,382,111, plus strand): 5'-AAGCATCTGGGTGCCCAGAAGCTATTAAGGCCAGTGGTCTCTTCTTTCACACCTCAGATC[T>C]ATGACTTCCTGGACCTGCTGGTGGCGGAGAACCCGCACCTTGTCAGCAAGATCCAGATTG-3'
Protein context (NP_001859.1, residues 119-139): YATYHTLEEI[Tyr129His]DFLDLLVAEN